The following is an entry in ClinVar:

ClinVar aggregate classification (germline): Conflicting classifications of pathogenicity. Review status: criteria provided, conflicting classifications (1 of 4 stars). 2 submissions from 2 submitters: Uncertain significance (1); Likely benign (1). Last evaluated 2023-03-23.

Conditions:
Hereditary cancer-predisposing syndrome. Also called: Neoplastic Syndromes, Hereditary; Tumor predisposition; Hereditary Cancer Syndrome; Hereditary neoplastic syndrome. Identifiers: Orphanet 140162, MedGen C0027672, MeSH D009386, MONDO:0015356.

Submissions (2):

University of Washington Department of Laboratory Medicine, University of Washington
Classification: Likely benign for Hereditary cancer-predisposing syndrome. Last evaluated: 2023-03-23. Review status: criteria provided, single submitter. Criteria: Dines et al. (Genet Med. 2020). Collection method: curation. Allele origin: germline.
Comment: Missense variant in a coldspot region where missense variants are very unlikely to be pathogenic (PMID:31911673).

BRCA1 coldspot (exon 11 using historical exon numbering). Reclassification based on statistical prior probability

Ambry Genetics
Classification: Uncertain significance for Hereditary cancer-predisposing syndrome. Last evaluated: 2020-10-21. Review status: criteria provided, single submitter. Criteria: Ambry Variant Classification Scheme 2023. Collection method: clinical testing. Allele origin: germline.
Comment: The p.A605S variant (also known as c.1813G>T), located in coding exon 9 of the BRCA1 gene, results from a G to T substitution at nucleotide position 1813. The alanine at codon 605 is replaced by serine, an amino acid with similar properties. This amino acid position is not well conserved in available vertebrate species. In addition, the in silico prediction for this alteration is inconclusive. Since supporting evidence is limited at this time, the clinical significance of this alteration remains unclear.

NM_007294.4(BRCA1):c.1813G>T (p.Ala605Ser)

Gene: BRCA1 (BRCA1 DNA repair associated; minus strand). Cytogenetic location: 17q21.31.
Variant type: single nucleotide variant.
Coding change: c.1813G>T on transcript NM_007294.4 (MANE Select); coding-DNA position 1813, G replaced by T.
Protein change: p.Ala605Ser; replaces alanine 605 with serine.
Molecular consequence: missense variant. On other transcripts: intron variant (137).
Genome position (GRCh38, 1-based): chr17:43,093,718, C>A on the plus strand (G>T on the coding strand, the complement: BRCA1 is on the minus strand). VCF-style: chr17-43093718-C-A. GRCh37 (hg19) VCF-style: chr17-41245735-C-A.
Other names: c.1732G>T, p.Ala578Ser (NM_001407661.1, NM_001407662.1, NM_001407659.1 and 1 more transcripts); c.1690G>T, p.Ala564Ser (NM_001407938.1, NM_001407664.1, NM_001407666.1 and 19 more transcripts); c.1669G>T, p.Ala557Ser (NM_001407943.1, NM_001407740.1, NM_001407741.1 and 20 more transcripts); c.1672G>T, p.Ala558Ser (NM_001407944.1, NM_001407942.1, NM_001407692.1 and 29 more transcripts); c.1735G>T, p.Ala579Ser (NM_001407663.1, NM_001407653.1, NM_001407654.1 and 4 more transcripts); c.1687G>T, p.Ala563Ser (NM_001407940.1, NM_001407941.1, NM_001407649.1 and 11 more transcripts); c.520+1026G>T (NM_001408503.1, NM_001408505.1, NM_001408504.1); c.523+1026G>T (NM_001408500.1, NM_001408497.1, NM_001408496.1 and 3 more transcripts); and 40 more; short protein forms A605S, A558S, A478S, A309S, A516S, A557S, A578S, A579S.
Identifiers: ClinVar variation 141262 (VCV000141262.8), dbSNP rs587781613, ClinGen allele CA001176.